The following is an entry in ClinVar:

ClinVar aggregate classification (germline): Pathogenic (1 of 4 stars; one submission).

Conditions:
Hereditary cancer-predisposing syndrome. Also called: Neoplastic Syndromes, Hereditary; Tumor predisposition; Hereditary Cancer Syndrome; Hereditary neoplastic syndrome. Identifiers: Orphanet 140162, MedGen C0027672, MeSH D009386, MONDO:0015356.

Submission:

Ambry Genetics
Classification: Pathogenic for Hereditary cancer-predisposing syndrome. Last evaluated: 2021-03-25. Review status: criteria provided, single submitter. Criteria: Ambry Variant Classification Scheme 2023. Collection method: clinical testing. Allele origin: germline.
Comment: The p.K1011* pathogenic mutation (also known as c.3031A>T), located in coding exon 18 of the RET gene, results from an A to T substitution at nucleotide position 3031. This changes the amino acid from a lysine to a stop codon within coding exon 18. This alteration is expected to result in loss of function by premature protein truncation or nonsense-mediated mRNA decay. Loss-of-function variants in RET are known to cause Hirschsprung disease; however, such associations with Multiple Endocrine Neoplasia Type-2 (MEN2) have not been observed (Amiel J and Lyonnet S. J Med Genet. 2001 Nov;38(11):729-39; Wagner SM et al. Clinics (Sao Paulo). 2012;67 Suppl 1(Suppl 1):77-84). Based on the supporting evidence, this alteration is pathogenic for Hirschsprung disease; however, the association of this alteration with MEN2 is unlikely.

NM_020975.6(RET):c.3031A>T (p.Lys1011Ter)

Gene: RET (ret proto-oncogene; plus strand). Cytogenetic location: 10q11.21.
Variant type: single nucleotide variant.
Coding change: c.3031A>T on transcript NM_020975.6 (MANE Select); coding-DNA position 3031, A replaced by T.
Protein change: p.Lys1011Ter; replaces lysine 1011 with a stop codon.
Molecular consequence: nonsense.
Genome position (GRCh38, 1-based): chr10:43,124,974, A>T. VCF-style: chr10-43124974-A-T. GRCh37 (hg19) VCF-style: chr10-43620422-A-T.
Other names: c.1582A>T, p.Lys528Ter (NM_001406794.1, NM_001406792.1, NM_001406793.1); c.3031A>T, p.Lys1011Ter (NM_020629.2, NM_020630.7, NM_000323.2 and 4 more transcripts); c.2269A>T, p.Lys757Ter (NM_001355216.2); c.2902A>T, p.Lys968Ter (NM_001406761.1, NM_001406762.1, NM_001406764.1); c.2896A>T, p.Lys966Ter (NM_001406763.1, NM_001406765.1); c.2743A>T, p.Lys915Ter (NM_001406766.1, NM_001406767.1, NM_001406770.1); c.2767A>T, p.Lys923Ter (NM_001406768.1); c.2635A>T, p.Lys879Ter (NM_001406769.1, NM_001406772.1); and 10 more; short protein forms K667*, K681*, K757*, K769*, K865*, K923*, K672*, K968*.
Identifiers: ClinVar variation 1799048 (VCV001799048.2), dbSNP rs368345402, ClinGen allele CA376558232.